The following is an entry in ClinVar:

NM_177438.3(DICER1):c.3534_3535insAA (p.Ser1179fs)

Gene: DICER1 (dicer 1, ribonuclease III; minus strand). Cytogenetic location: 14q32.13.
Variant type: Insertion.
Coding change: c.3534_3535insAA on transcript NM_177438.3 (MANE Select); coding-DNA positions 3534 to 3535, AA inserted.
Protein change: p.Ser1179fs; shifts the reading frame from serine 1179.
Molecular consequence: frameshift variant.
Genome position: GRCh38 VCF-style: chr14-95103861-A-ATT. GRCh37 (hg19) VCF-style: chr14-95570198-A-ATT.
Other names: c.3534_3535insAA, p.Ser1179fs (NM_001195573.1, NM_001271282.3, NM_001291628.2 and 1 more transcripts); short protein forms S1179fs.
Identifiers: ClinVar variation 254321 (VCV000254321.4), dbSNP rs886037702, ClinGen allele CA10586429.
Genomic context (GRCh38, chr14:95,103,861, plus strand): 5'-CTTGGCAAAAGTCTCTGTTAGCTAAATCATAACTGCCATTGGCGAGATTTTGATTGTAAG[A>ATT]AAGACCATTAATTGCTGTAAGATCTGCTGAAACTTCAACGTGGAGCTTACCAGGGGACTC-3'

ClinVar aggregate classification (germline): Pathogenic. Review status: criteria provided, multiple submitters, no conflicts (2 of 4 stars). 2 submissions from 2 submitters: Pathogenic (2). Last evaluated 2019-07-01.

Conditions:
DICER1-related tumor predisposition. Also called: DICER1 syndrome; DICER1-related pleuropulmonary blastoma cancer predisposition syndrome. Identifiers: Orphanet 284343, MedGen C3839822, MONDO:0100216.

Submissions (2):

Foulkes Cancer Genetics LDI, Lady Davis Institute for Medical Research
Classification: Pathogenic for Pleuropulmonary blastoma. Last evaluated: 2019-07-01. Review status: criteria provided, single submitter. Criteria: ACMG Guidelines, 2015. Collection method: curation. Allele origin: germline. Affected: yes. Observed: 1 variant allele.
Comment: ACMG criteria met: PVS1, PM2, PP4

International Pleuropulmonary Blastoma Registry, Children's Hospitals and Clinics of Minnesota
Classification: Pathogenic for Pleuropulmonary blastoma. Last evaluated: 2014-11-10. Review status: criteria provided, single submitter. Criteria: Hill et al. (Science. 2009). Collection method: clinical testing. Allele origin: germline. Affected: yes. Study: PPB-DICER1 Genetic study.

Literature cited by the submitters: PubMed 26925222 (cited by Foulkes Cancer Genetics LDI, Lady Davis Institute for Medical Research and International Pleuropulmonary Blastoma Registry, Children's Hospitals and Clinics of Minnesota).